The following is an entry in ClinVar:

NM_000540.3(RYR1):c.4137C>A (p.Thr1379=)

Gene: RYR1 (ryanodine receptor 1; plus strand). Cytogenetic location: 19q13.2.
Variant type: single nucleotide variant.
Coding change: c.4137C>A on transcript NM_000540.3 (MANE Select); coding-DNA position 4137, C replaced by A.
Protein change: p.Thr1379=; no amino-acid change (threonine 1379 retained).
Molecular consequence: synonymous variant.
Genome position (GRCh38, 1-based): chr19:38,473,748, C>A. VCF-style: chr19-38473748-C-A. GRCh37 (hg19) VCF-style: chr19-38964388-C-A.
Other names: c.4137C>A, p.Thr1379= (NM_001042723.2).
Identifiers: ClinVar variation 3387703 (VCV003387703.1).

ClinVar aggregate classification (germline): Likely benign (1 of 4 stars; one submission).

Conditions:
Malignant hyperthermia, susceptibility to, 1 (MHS1). Also called: Anesthesia related hyperthermia; Malignant hyperpyrexia; Fulminating hyperpyrexia; Pharmacogenic myopathy; RYR1-Related Malignant Hyperthermia Susceptibility; Malignant hyperthermia suceptibility 1. Identifiers: Orphanet 423, MedGen C2930980, MONDO:0007783, OMIM 145600.

gnomAD v4.1: 1 of 1,538,974 alleles (0.000065%); highest among the groups gnomAD compares: Non-Finnish European, 0.000088%; no homozygotes.

Submission:

All of Us Research Program, National Institutes of Health
Classification: Likely benign for Malignant hyperthermia, susceptibility to, 1. Last evaluated: 2024-05-14. Review status: criteria provided, single submitter. Criteria: ACMG Guidelines, 2015. Collection method: clinical testing. Allele origin: germline. Inheritance: Autosomal dominant inheritance. Observed: 1 variant allele, 1 heterozygote.
Comment: This study involves interpretation of variants in research participants for the purpose of population health screening. Participant phenotype was not available at the time of variant classification. Additional details can be found in publication PMID: 35346344, PMCID: PMC8962531